The following continues an entry in ClinVar:

NM_139343.3(BIN1):c.858-12C>A

Gene: BIN1. ClinVar aggregate classification (germline): Benign/Likely benign. Benign (9); Likely benign (1).

Submissions 29 to 46 of 46:

Dr. Peter K. Rogan Lab, Western University
No classification provided (evidence only). Condition: Chronic lymphocytic leukemia/small lymphocytic lymphoma. Review status: no classification provided. Collection method: in vitro. Allele origin: not applicable. Functional consequence: retained intron. Not counted in ClinVar's aggregate classification.

Dr. Peter K. Rogan Lab, Western University
No classification provided (evidence only). Condition: Chronic lymphocytic leukemia/small lymphocytic lymphoma. Review status: no classification provided. Collection method: in vitro. Allele origin: not applicable. Functional consequence: retained intron. Not counted in ClinVar's aggregate classification.

Dr. Peter K. Rogan Lab, Western University
No classification provided (evidence only). Condition: Chronic lymphocytic leukemia/small lymphocytic lymphoma. Review status: no classification provided. Collection method: in vitro. Allele origin: not applicable. Functional consequence: retained intron. Not counted in ClinVar's aggregate classification.

Dr. Peter K. Rogan Lab, Western University
No classification provided (evidence only). Condition: Chronic lymphocytic leukemia/small lymphocytic lymphoma. Review status: no classification provided. Collection method: in vitro. Allele origin: not applicable. Functional consequence: retained intron. Not counted in ClinVar's aggregate classification.

Dr. Peter K. Rogan Lab, Western University
No classification provided (evidence only). Condition: Chronic lymphocytic leukemia/small lymphocytic lymphoma. Review status: no classification provided. Collection method: in vitro. Allele origin: not applicable. Functional consequence: retained intron. Not counted in ClinVar's aggregate classification.

Dr. Peter K. Rogan Lab, Western University
No classification provided (evidence only). Condition: Chronic lymphocytic leukemia/small lymphocytic lymphoma. Review status: no classification provided. Collection method: in vitro. Allele origin: not applicable. Functional consequence: retained intron. Not counted in ClinVar's aggregate classification.

Dr. Peter K. Rogan Lab, Western University
No classification provided (evidence only). Condition: Chronic lymphocytic leukemia/small lymphocytic lymphoma. Review status: no classification provided. Collection method: in vitro. Allele origin: not applicable. Functional consequence: retained intron. Not counted in ClinVar's aggregate classification.

Dr. Peter K. Rogan Lab, Western University
No classification provided (evidence only). Condition: Chronic lymphocytic leukemia/small lymphocytic lymphoma. Review status: no classification provided. Collection method: in vitro. Allele origin: not applicable. Functional consequence: retained intron. Not counted in ClinVar's aggregate classification.

Dr. Peter K. Rogan Lab, Western University
No classification provided (evidence only). Condition: Chronic lymphocytic leukemia/small lymphocytic lymphoma. Review status: no classification provided. Collection method: in vitro. Allele origin: not applicable. Functional consequence: skipped exon. Not counted in ClinVar's aggregate classification.

Dr. Peter K. Rogan Lab, Western University
No classification provided (evidence only). Condition: Chronic lymphocytic leukemia/small lymphocytic lymphoma. Review status: no classification provided. Collection method: in vitro. Allele origin: not applicable. Functional consequence: retained intron. Not counted in ClinVar's aggregate classification.

Dr. Peter K. Rogan Lab, Western University
No classification provided (evidence only). Condition: Hepatocellular carcinoma. Review status: no classification provided. Collection method: in vitro. Allele origin: not applicable. Functional consequence: retained intron. Not counted in ClinVar's aggregate classification.

Dr. Peter K. Rogan Lab, Western University
No classification provided (evidence only). Condition: Hepatocellular carcinoma. Review status: no classification provided. Collection method: in vitro. Allele origin: not applicable. Functional consequence: retained intron. Not counted in ClinVar's aggregate classification.

Dr. Peter K. Rogan Lab, Western University
No classification provided (evidence only). Condition: Hepatocellular carcinoma. Review status: no classification provided. Collection method: in vitro. Allele origin: not applicable. Functional consequence: retained intron. Not counted in ClinVar's aggregate classification.

Dr. Peter K. Rogan Lab, Western University
No classification provided (evidence only). Condition: Hepatocellular carcinoma. Review status: no classification provided. Collection method: in vitro. Allele origin: not applicable. Functional consequence: retained intron. Not counted in ClinVar's aggregate classification.

Dr. Peter K. Rogan Lab, Western University
No classification provided (evidence only). Condition: Hepatocellular carcinoma. Review status: no classification provided. Collection method: in vitro. Allele origin: not applicable. Functional consequence: retained intron. Not counted in ClinVar's aggregate classification.

Dr. Peter K. Rogan Lab, Western University
No classification provided (evidence only). Condition: Hepatocellular carcinoma. Review status: no classification provided. Collection method: in vitro. Allele origin: not applicable. Functional consequence: retained intron. Not counted in ClinVar's aggregate classification.

Dr. Peter K. Rogan Lab, Western University
No classification provided (evidence only). Condition: Hepatocellular carcinoma. Review status: no classification provided. Collection method: in vitro. Allele origin: not applicable. Functional consequence: retained intron. Not counted in ClinVar's aggregate classification.

Joint Genome Diagnostic Labs from Nijmegen and Maastricht, Radboudumc and MUMC+
Classification: Benign. Review status: no assertion criteria provided. Collection method: clinical testing. Allele origin: germline. Affected: yes. Study: VKGL Data-share Consensus. Not counted in ClinVar's aggregate classification.